The following is an entry in ClinVar:

NM_002972.4(SBF1):c.4702G>A (p.Gly1568Arg)

Gene: SBF1 (SET binding factor 1; minus strand). Cytogenetic location: 22q13.33.
Variant type: single nucleotide variant.
Coding change: c.4702G>A on transcript NM_002972.4 (MANE Select); coding-DNA position 4702, G replaced by A.
Protein change: p.Gly1568Arg; replaces glycine 1568 with arginine.
Molecular consequence: missense variant.
Genome position (GRCh38, 1-based): chr22:50,454,924, C>T on the plus strand (G>A on the coding strand, the complement: SBF1 is on the minus strand). VCF-style: chr22-50454924-C-T. GRCh37 (hg19) VCF-style: chr22-50893353-C-T.
Other names: c.4627G>A, p.Gly1543Arg (NM_001365819.1); short protein forms G1568R, G1543R.
Identifiers: ClinVar variation 1503306 (VCV001503306.6), dbSNP rs1413480607, ClinGen allele CA412193617.

ClinVar aggregate classification (germline): Uncertain significance (1 of 4 stars; one submission).

Allele frequency attached by ClinVar (database versions not stated): gnomAD exomes below 0.00001.
gnomAD v4.1: 1 of 1,614,088 alleles (0.000062%); highest among the groups gnomAD compares: Admixed American, 0.0017%; no homozygotes.

Submission:

Labcorp Genetics (formerly Invitae), Labcorp
Classification: Uncertain significance. Last evaluated: 2021-10-19. Review status: criteria provided, single submitter. Criteria: Invitae Variant Classification Sherloc (09022015). Collection method: clinical testing. Allele origin: germline.
Comment: In summary, the available evidence is currently insufficient to determine the role of this variant in disease. Therefore, it has been classified as a Variant of Uncertain Significance. Algorithms developed to predict the effect of missense changes on protein structure and function are either unavailable or do not agree on the potential impact of this missense change (SIFT: "Tolerated"; PolyPhen-2: "Probably Damaging"; Align-GVGD: "Class C0"). This variant has not been reported in the literature in individuals affected with SBF1-related conditions. This variant is not present in population databases (ExAC no frequency). This sequence change replaces glycine with arginine at codon 1568 of the SBF1 protein (p.Gly1568Arg). The glycine residue is moderately conserved and there is a moderate physicochemical difference between glycine and arginine.